The following is an entry in ClinVar:

ClinVar aggregate classification (germline): Conflicting classifications of pathogenicity. Review status: criteria provided, conflicting classifications (1 of 4 stars). 4 submissions from 4 submitters: Uncertain significance (1); Likely benign (2). 1 of the submissions does not count toward it. Last evaluated 2024-06-25.

Conditions:
CACNB4-related disorder. Also called: CACNB4-Related Disorders; CACNB4-related condition.
Idiopathic generalized epilepsy. Also called: EIG; Generalised epilepsy. Identifiers: MedGen C0270850, MONDO:0005579, OMIM 600669.

Allele frequency attached by ClinVar (database versions not stated): gnomAD 0.00003 and 0.00004; TOPMed 0.00005; ExAC 0.00006.
gnomAD v4.1: 77 of 1,530,790 alleles (0.005%); highest among the groups gnomAD compares: Middle Eastern, 0.02%; no homozygotes.

Submissions (4):

Women's Health and Genetics/Laboratory Corporation of America, LabCorp
Classification: Likely benign. Last evaluated: 2024-06-25. Review status: criteria provided, single submitter. Criteria: LabCorp Variant Classification Summary - May 2015. Collection method: clinical testing. Allele origin: germline.

Labcorp Genetics (formerly Invitae), Labcorp
Classification: Likely benign for Idiopathic generalized epilepsy. Last evaluated: 2018-04-18. Review status: criteria provided, single submitter. Criteria: Invitae Variant Classification Sherloc (09022015). Collection method: clinical testing. Allele origin: germline.

Eurofins Ntd Llc (ga)
Classification: Uncertain significance. Last evaluated: 2015-01-12. Review status: criteria provided, single submitter. Criteria: EGL Classification Definitions 2015. Collection method: clinical testing. Allele origin: germline. Observed: 1 variant allele, 1 heterozygote.

PreventionGenetics, part of Exact Sciences
Classification: Likely benign for CACNB4-related condition. Last evaluated: 2019-03-05. Review status: no assertion criteria provided. Collection method: clinical testing. Allele origin: germline. Not counted in ClinVar's aggregate classification.
Comment: This variant is classified as likely benign based on ACMG/AMP sequence variant interpretation guidelines (Richards et al. 2015 PMID: 25741868, with internal and published modifications).

NM_000726.5(CACNB4):c.36G>A (p.Ala12=)

Genes: CACNB4 (calcium voltage-gated channel auxiliary subunit beta 4; minus strand), LOC129934925 (ATAC-STARR-seq lymphoblastoid silent region 12010; plus strand). Cytogenetic location: 2q23.3.
Variant type: single nucleotide variant.
Coding change: c.36G>A on transcript NM_000726.5 (MANE Select); coding-DNA position 36, G replaced by A.
Protein change: p.Ala12=; no amino-acid change (alanine 12 retained).
Molecular consequence: synonymous variant.
Genome position (GRCh38, 1-based): chr2:152,098,976, C>T on the plus strand (G>A on the coding strand, the complement: CACNB4 is on the minus strand). VCF-style: chr2-152098976-C-T. GRCh37 (hg19) VCF-style: chr2-152955490-C-T.
Other names: c.36G>A, p.Ala12= (NM_001145798.3).
Identifiers: ClinVar variation 193122 (VCV000193122.19), dbSNP rs754380009, ClinGen allele CA238631.
Genomic context (GRCh38, chr2:152,098,976, plus strand): 5'-AGGAAGAGGAGAAGGGGGAGGAGGGGGCGGTACCTGCGAGGTGGGGGAGTGCGGCCCGTC[C>T]GCGGTCCCGTTCTTGGCGTAGGAGGAGGAGGACATCGTTCAGAGCCGCCGCATGGCCAGC-3'
Protein context (NP_000717.2, residues 2-22): SSSSYAKNGT[Ala12=]DGPHSPTSQV